The following is an entry in ClinVar:

NM_013296.5(GPSM2):c.1769A>G (p.Asn590Ser)

Gene: GPSM2 (G protein signaling modulator 2; plus strand). Cytogenetic location: 1p13.3.
Variant type: single nucleotide variant.
Coding change: c.1769A>G on transcript NM_013296.5 (MANE Select); coding-DNA position 1769, A replaced by G.
Protein change: p.Asn590Ser; replaces asparagine 590 with serine.
Molecular consequence: missense variant.
Genome position (GRCh38, 1-based): chr1:108,924,168, A>G. VCF-style: chr1-108924168-A-G. GRCh37 (hg19) VCF-style: chr1-109466790-A-G.
Other names: c.1769A>G, p.Asn590Ser (NM_001321039.3, NM_001321038.2); c.1769A>G (NM_013296.4); short protein forms N590S.
Identifiers: ClinVar variation 1915965 (VCV001915965.6), dbSNP rs2523926497, ClinGen allele CA341451744.

ClinVar aggregate classification (germline): Uncertain significance. Review status: criteria provided, multiple submitters, no conflicts (2 of 4 stars). 2 submissions from 2 submitters: Uncertain significance (2). Last evaluated 2025-03-03.

Conditions:
Inborn genetic diseases. Identifiers: MedGen C0950123, MeSH D030342.

Allele frequency attached by ClinVar (database versions not stated): gnomAD exomes below 0.00001.
gnomAD v4.1: 2 of 1,613,982 alleles (0.00012%); highest among the groups gnomAD compares: Non-Finnish European, 0.00017%; no homozygotes.

Submissions (2):

Ambry Genetics
Classification: Uncertain significance for Inborn genetic diseases. Last evaluated: 2025-03-03. Review status: criteria provided, single submitter. Criteria: Ambry Variant Classification Scheme 2023. Collection method: clinical testing. Allele origin: germline.

Labcorp Genetics (formerly Invitae), Labcorp
Classification: Uncertain significance. Last evaluated: 2023-12-11. Review status: criteria provided, single submitter. Criteria: Invitae Variant Classification Sherloc (09022015). Collection method: clinical testing. Allele origin: germline.
Comment: This sequence change replaces asparagine, which is neutral and polar, with serine, which is neutral and polar, at codon 590 of the GPSM2 protein (p.Asn590Ser). This variant is not present in population databases (gnomAD no frequency). This variant has not been reported in the literature in individuals affected with GPSM2-related conditions. ClinVar contains an entry for this variant (Variation ID: 1915965). Advanced modeling of protein sequence and biophysical properties (such as structural, functional, and spatial information, amino acid conservation, physicochemical variation, residue mobility, and thermodynamic stability) performed at Invitae indicates that this missense variant is not expected to disrupt GPSM2 protein function with a negative predictive value of 80%. In summary, the available evidence is currently insufficient to determine the role of this variant in disease. Therefore, it has been classified as a Variant of Uncertain Significance.